The following is an entry in ClinVar:

ClinVar aggregate classification (germline): Pathogenic (1 of 4 stars; one submission).

Submission:

Labcorp Genetics (formerly Invitae), Labcorp
Classification: Pathogenic. Last evaluated: 2025-12-08. Review status: criteria provided, single submitter. Criteria: Invitae Variant Classification Sherloc (09022015). Collection method: clinical testing. Allele origin: germline.
Comment: This sequence change creates a premature translational stop signal (p.Asn1978Glnfs*14) in the FRAS1 gene. It is expected to result in an absent or disrupted protein product. Loss-of-function variants in FRAS1 are known to be pathogenic (PMID: 12766769, 18671281). This variant is not present in population databases (gnomAD no frequency). This variant has not been reported in the literature in individuals affected with FRAS1-related conditions. Algorithms developed to predict the effect of sequence changes on RNA splicing suggest that this variant may disrupt the consensus splice site. For these reasons, this variant has been classified as Pathogenic.

Literature cited by the submitters: PubMed 12766769; PubMed 18671281.

NM_025074.7(FRAS1):c.5931dup (p.Asn1978fs)

Gene: FRAS1 (Fraser extracellular matrix complex subunit 1; plus strand). Cytogenetic location: 4q21.21.
Variant type: Duplication.
Coding change: c.5931dup on transcript NM_025074.7 (MANE Select); coding-DNA position 5931, one base duplicated (C; older notation c.5931dupC).
Protein change: p.Asn1978fs; shifts the reading frame from asparagine 1978.
Molecular consequence: frameshift variant.
Genome position (GRCh38, 1-based): chr4:78,446,801, C duplicated. VCF-style (leftmost placement, unchanged base first): chr4-78446800-G-GC. GRCh37 (hg19) VCF-style: chr4-79367954-G-GC.
Other names: short protein forms N1978fs.
Identifiers: ClinVar variation 4732717 (VCV004732717.1).